The following is an entry in ClinVar:

NM_174934.4(SCN4B):c.432C>T (p.His144=)

Genes: SCN4B (sodium voltage-gated channel beta subunit 4; minus strand), LOC126861356 (BRD4-independent group 4 enhancer GRCh37_chr11:118014519-118015718; plus strand). Cytogenetic location: 11q23.3.
Variant type: single nucleotide variant.
Coding change: c.432C>T on transcript NM_174934.4 (MANE Select); coding-DNA position 432, C replaced by T.
Protein change: p.His144=; no amino-acid change (histidine 144 retained).
Molecular consequence: synonymous variant. On other transcripts: intron variant (1).
Genome position (GRCh38, 1-based): chr11:118,143,864, G>A on the plus strand (C>T on the coding strand, the complement: SCN4B is on the minus strand). VCF-style: chr11-118143864-G-A. GRCh37 (hg19) VCF-style: chr11-118014579-G-A.
Other names: c.102C>T, p.His34= (NM_001142349.2); c.62-2528C>T (NM_001142348.2).
Identifiers: ClinVar variation 506980 (VCV000506980.11), dbSNP rs373045667, ClinGen allele CA6300216.
Genomic context (GRCh38, chr11:118,143,864, plus strand): 5'-ACTGCCCTGTGCCAGCCCCTACTGCATACGTCTATCAACGACTTGGAGGAAGATGGTGGC[G>A]TGGTGCTGGAGATTATTCTCCTTGGGGTTCTTCACATGGCAGGTGTATTTGCCCGTGTCG-3'
Protein context (NP_777594.1, residues 134-154): KNPKENNLQH[His144=]ATIFLQVVDR

ClinVar aggregate classification (germline): Likely benign. Review status: criteria provided, multiple submitters, no conflicts (2 of 4 stars). 3 submissions from 3 submitters: Likely benign (3). Last evaluated 2025-11-18.

Conditions:
Cardiovascular phenotype. Identifiers: MedGen CN230736.
Long QT syndrome 10 (LQT10). Identifiers: Orphanet 101016, Orphanet 768, MedGen C2678484, MONDO:0012737, OMIM 611819.

Allele frequency attached by ClinVar (database versions not stated): gnomAD exomes 0.00005 and 0.00007; gnomAD 0.00006 and 0.00007; ExAC 0.00008; ESP Exome Variant Server 0.00008; TOPMed 0.00010; 1000 Genomes Project 30x 0.00031; 1000 Genomes Project 0.00040.
gnomAD v4.1: 112 of 1,612,952 alleles (0.0069%); highest among the groups gnomAD compares: East Asian, 0.058%; no homozygotes.

Submissions (3):

Labcorp Genetics (formerly Invitae), Labcorp
Classification: Likely benign for Long QT syndrome 10. Last evaluated: 2025-11-18. Review status: criteria provided, single submitter. Criteria: Invitae Variant Classification Sherloc (09022015). Collection method: clinical testing. Allele origin: germline.

Ambry Genetics
Classification: Likely benign for Cardiovascular phenotype. Last evaluated: 2019-03-29. Review status: criteria provided, single submitter. Criteria: Ambry Variant Classification Scheme 2023. Collection method: clinical testing. Allele origin: germline.

GeneDx
Classification: Likely benign. Last evaluated: 2017-08-24. Review status: criteria provided, single submitter. Criteria: GeneDx Variant Classification (06012015). Collection method: clinical testing. Allele origin: germline. Affected: yes.
Comment: This variant is considered likely benign or benign based on one or more of the following criteria: it is a conservative change, it occurs at a poorly conserved position in the protein, it is predicted to be benign by multiple in silico algorithms, and/or has population frequency not consistent with disease.